The following is an entry in ClinVar:

NM_001297.5(CNGB1):c.159+9T>C

Gene: CNGB1 (cyclic nucleotide gated channel subunit beta 1; minus strand). Cytogenetic location: 16q21.
Variant type: single nucleotide variant.
Coding change: c.159+9T>C on transcript NM_001297.5 (MANE Select); 9 bases into the intron after coding-DNA position 159, T replaced by C.
Molecular consequence: intron variant.
Genome position (GRCh38, 1-based): chr16:57,967,119, A>G on the plus strand (T>C on the coding strand, the complement: CNGB1 is on the minus strand). VCF-style: chr16-57967119-A-G. GRCh37 (hg19) VCF-style: chr16-58001023-A-G.
Other names: c.159+9T>C (NM_001286130.2, NM_001135639.2).
Identifiers: ClinVar variation 4883190 (VCV004883190.2).
Genomic context (GRCh38, chr16:57,967,119, plus strand): 5'-AGATGGCCCAAACTGGGAAGACCCTGAGCAGCGAGGCCGGCCTGCCCCTCCTCCCGCTCT[A>G]CCTCTCACCATGGACTCGGACTCTGTCTCGGCCTCCTCAGGATTCGGTTCTGGTTCCACC-3'

ClinVar aggregate classification (germline): Uncertain significance (1 of 4 stars; one submission).

gnomAD v4.1: 5 of 1,613,590 alleles (0.00031%); highest among the groups gnomAD compares: Admixed American, 0.0033%; no homozygotes.

Submission:

Dasa
Classification: Uncertain significance. Last evaluated: 2025-09-29. Review status: criteria provided, single submitter. Criteria: DASA Assertion Criteria. Collection method: clinical testing. Allele origin: germline.
Comment: NM_001297.5(CNGB1):c.159+9T>C is a splice-region variant. This variant is rare in population databases. Computational prediction algorithms are consistent with a benign effect. The currently available literature and clinical evidence are not sufficient to establish a definitive association between this variant and the reported condition. Therefore, this variant is classified as a variant of uncertain significance.